The following is an entry in ClinVar:

ClinVar aggregate classification (germline): Pathogenic (1 of 4 stars; one submission).

gnomAD v4.1: 4 of 1,613,994 alleles (0.00025%); highest among the groups gnomAD compares: South Asian, 0.0011%; no homozygotes.

Submission:

Labcorp Genetics (formerly Invitae), Labcorp
Classification: Pathogenic. Last evaluated: 2022-11-01. Review status: criteria provided, single submitter. Criteria: Invitae Variant Classification Sherloc (09022015). Collection method: clinical testing. Allele origin: germline.
Comment: This sequence change creates a premature translational stop signal (p.Gln566*) in the USH2A gene. It is expected to result in an absent or disrupted protein product. Loss-of-function variants in USH2A are known to be pathogenic (PMID: 10729113, 10909849, 20507924, 25649381). This variant is not present in population databases (gnomAD no frequency). This premature translational stop signal has been observed in individual(s) with Usher syndrome (PMID: 10729113). For these reasons, this variant has been classified as Pathogenic.

Literature cited by the submitters: PubMed 10729113; PubMed 10909849; PubMed 20507924; PubMed 25649381.

NM_206933.4(USH2A):c.1696C>T (p.Gln566Ter)

Gene: USH2A (usherin; minus strand). Cytogenetic location: 1q41.
Variant type: single nucleotide variant.
Coding change: c.1696C>T on transcript NM_206933.4 (MANE Select); coding-DNA position 1696, C replaced by T.
Protein change: p.Gln566Ter; replaces glutamine 566 with a stop codon.
Molecular consequence: nonsense.
Genome position (GRCh38, 1-based): chr1:216,292,319, G>A on the plus strand (C>T on the coding strand, the complement: USH2A is on the minus strand). VCF-style: chr1-216292319-G-A. GRCh37 (hg19) VCF-style: chr1-216465661-G-A.
Other names: c.1696C>T, p.Gln566Ter (NM_007123.6); short protein forms Q566*.
Identifiers: ClinVar variation 2202979 (VCV002202979.4), dbSNP rs767742135, ClinGen allele CA344903380.
Genomic context (GRCh38, chr1:216,292,319, plus strand): 5'-AATGGCAGCTTTTGGAATGGCTGTTGCATTGACAAGGTTTACAATTGAAAGCGTAAACTT[G>A]ATCACCTTGGCGGAAAGGCTTGTCATTATAAAGAGGCAAGCAGCGATCACACTAGAACAA-3'